The following is an entry in ClinVar:

ClinVar aggregate classification (germline): Benign. Review status: criteria provided, multiple submitters, no conflicts (2 of 4 stars). 2 submissions from 2 submitters: Benign (2). Last evaluated 2018-06-14.

Allele frequency attached by ClinVar (database versions not stated): 1000 Genomes Project 0.07548; 1000 Genomes Project 30x 0.07698; TOPMed 0.13810; gnomAD 0.14089 and 0.14347; ESP Exome Variant Server 0.14586.
gnomAD v4.1: 276,961 of 1,598,322 alleles (17%); highest among the groups gnomAD compares: Admixed American, 22%; 26,034 homozygotes.

Submissions (2):

GeneDx
Classification: Benign. Last evaluated: 2018-06-14. Review status: criteria provided, single submitter. Criteria: GeneDx Variant Classification (06012015). Collection method: clinical testing. Allele origin: germline. Affected: yes.
Comment: This variant is considered likely benign or benign based on one or more of the following criteria: it is a conservative change, it occurs at a poorly conserved position in the protein, it is predicted to be benign by multiple in silico algorithms, and/or has population frequency not consistent with disease.

Breakthrough Genomics
Classification: Benign. Review status: criteria provided, single submitter. Criteria: ACMG Guidelines, 2015. Collection method: not provided. Allele origin: germline. Inheritance: Autosomal recessive inheritance. Affected: yes.

NM_001848.3(COL6A1):c.1576-78G>C

Gene: COL6A1 (collagen type VI alpha 1 chain; plus strand). Cytogenetic location: 21q22.3.
Variant type: single nucleotide variant.
Coding change: c.1576-78G>C on transcript NM_001848.3 (MANE Select); 78 bases into the intron before coding-DNA position 1576, G replaced by C.
Molecular consequence: intron variant.
Genome position (GRCh38, 1-based): chr21:45,998,320, G>C. VCF-style: chr21-45998320-G-C. GRCh37 (hg19) VCF-style: chr21-47418234-G-C.
Identifiers: ClinVar variation 680314 (VCV000680314.2), dbSNP rs11700844, ClinGen allele CA14865333.